The following is an entry in ClinVar:

NM_144670.6(A2ML1):c.424G>A (p.Val142Ile)

Genes: A2ML1 (alpha-2-macroglobulin like 1; plus strand), A2ML1-AS1 (A2ML1 antisense RNA 1; minus strand). Cytogenetic location: 12p13.31.
Variant type: single nucleotide variant.
Coding change: c.424G>A on transcript NM_144670.6 (MANE Select); coding-DNA position 424, G replaced by A.
Protein change: p.Val142Ile; replaces valine 142 with isoleucine.
Molecular consequence: missense variant.
Genome position (GRCh38, 1-based): chr12:8,829,741, G>A. VCF-style: chr12-8829741-G-A. GRCh37 (hg19) VCF-style: chr12-8982337-G-A.
Other names: short protein forms V142I.
Identifiers: ClinVar variation 933216 (VCV000933216.1), dbSNP rs1943049475, ClinGen allele CA383820308.
Genomic context (GRCh38, chr12:8,829,741, plus strand): 5'-GAGCCAGGAAACATCCCCTTTGCTAATGATGCCTGTTCCTTTCCAGTGTATTTCCGCATT[G>A]TCACCATGGATAGCAACTTCGTTCCAGTGAATGACAAGGTGAGTTGGGAGGAGGAGAAGG-3'
Protein context (NP_653271.3, residues 132-152): TPGQQVYFRI[Val142Ile]TMDSNFVPVN

ClinVar aggregate classification (germline): Uncertain significance (1 of 4 stars; one submission).

Submission:

Department of Human Genetics, University Hospital Magdeburg
Classification: Uncertain significance. Last evaluated: 2020-07-09. Review status: criteria provided, single submitter. Criteria: ACMG Guidelines, 2015. Collection method: clinical testing. Allele origin: unknown. Inheritance: Autosomal dominant inheritance. Observed: 1 variant allele.
Comment: This variant is absent from gnomAD (PM2). Segregation was not tested. In silico prediction yielded conflicting results.